The following is an entry in ClinVar:

ClinVar aggregate classification (germline): Uncertain significance. Review status: criteria provided, multiple submitters, no conflicts (2 of 4 stars). 2 submissions from 2 submitters: Uncertain significance (2). Last evaluated 2024-12-03.

Allele frequency attached by ClinVar (database versions not stated): gnomAD 0.00001; gnomAD exomes 0.00002; TOPMed 0.00003.

Submissions (2):

Labcorp Genetics (formerly Invitae), Labcorp
Classification: Uncertain significance. Last evaluated: 2024-12-03. Review status: criteria provided, single submitter. Criteria: Invitae Variant Classification Sherloc (09022015). Collection method: clinical testing. Allele origin: germline.
Comment: This sequence change affects the initiator methionine of the DOCK6 mRNA. The next in-frame methionine is located at codon p.Met115. The frequency data for this variant in the population databases is considered unreliable, as metrics indicate poor data quality at this position in the gnomAD database. This variant has not been reported in the literature in individuals affected with DOCK6-related conditions. ClinVar contains an entry for this variant (Variation ID: 1915075). This variant disrupts a region of the DOCK6 protein in which other variant(s) (p.Arg63Gln) have been observed in individuals with DOCK6-related conditions (PMID: 30950023). This suggests that this is a clinically significant region of the protein, and that variants that disrupt it are likely to be disease-causing. In summary, the available evidence is currently insufficient to determine the role of this variant in disease. Therefore, it has been classified as a Variant of Uncertain Significance.

GeneDx
Classification: Uncertain significance. Last evaluated: 2023-10-13. Review status: criteria provided, single submitter. Criteria: GeneDx Variant Classification Process June 2021. Collection method: clinical testing. Allele origin: germline. Affected: yes.
Comment: Initiation codon variant in a gene for which loss of function is a known mechanism of disease; a downstream methionine is located at codon p.M115; Has not been previously published as pathogenic or benign to our knowledge

Literature cited by the submitters: PubMed 30950023 (cited by Labcorp Genetics (formerly Invitae), Labcorp).

NM_020812.4(DOCK6):c.2T>C (p.Met1Thr)

Gene: DOCK6 (dedicator of cytokinesis 6; minus strand). Cytogenetic location: 19p13.2.
Variant type: single nucleotide variant.
Coding change: c.2T>C on transcript NM_020812.4 (MANE Select); coding-DNA position 2, T replaced by C.
Protein change: p.Met1Thr; changes the start codon (methionine 1).
Molecular consequence: missense variant, initiator codon variant.
Genome position (GRCh38, 1-based): chr19:11,262,439, A>G on the plus strand (T>C on the coding strand, the complement: DOCK6 is on the minus strand). VCF-style: chr19-11262439-A-G. GRCh37 (hg19) VCF-style: chr19-11373115-A-G.
Other names: c.2T>C, p.Met1Thr (NM_001367830.1); c.2T>C (NM_020812.3); short protein forms M1T.
Identifiers: ClinVar variation 1915075 (VCV001915075.5), dbSNP rs1210432474, ClinGen allele CA404082225.